The following is an entry in ClinVar:

NM_000518.5(HBB):c.*47C>T

Genes: HBB (hemoglobin subunit beta; minus strand), LOC110006319 (beta-globin gene 3' regulatory region; plus strand), LOC107133510 (origin of replication at HBB; plus strand). Cytogenetic location: 11p15.4.
Variant type: single nucleotide variant.
Coding change: c.*47C>T on transcript NM_000518.5 (MANE Select); 47 bases downstream of the stop codon, C replaced by T.
Molecular consequence: 3 prime UTR variant.
Genome position (GRCh38, 1-based): chr11:5,225,551, G>A on the plus strand (C>T on the coding strand, the complement: HBB is on the minus strand). VCF-style: chr11-5225551-G-A. GRCh37 (hg19) VCF-style: chr11-5246781-G-A.
Identifiers: ClinVar variation 984451 (VCV000984451.1), dbSNP rs1158183534, ClinGen allele CA597217426.

ClinVar aggregate classification (germline): Uncertain significance (1 of 4 stars; one submission).

Allele frequency attached by ClinVar (database versions not stated): gnomAD exomes below 0.00001.
gnomAD v4.1: 3 of 1,604,304 alleles (0.00019%); highest among the groups gnomAD compares: African/African-American, 0.0013%; no homozygotes.

Submission:

Women's Health and Genetics/Laboratory Corporation of America, LabCorp
Classification: Uncertain significance. Last evaluated: 2020-10-20. Review status: criteria provided, single submitter. Criteria: LabCorp Variant Classification Summary - May 2015. Collection method: clinical testing. Allele origin: germline.
Comment: Variant summary: HBB c.*47C>T is located in the untranslated mRNA region downstream of the termination codon. The variant allele was found at a frequency of 4e-06 in 251122 control chromosomes (gnomAD). The available data on variant occurrences in the general population are insufficient to allow any conclusion about variant significance. To our knowledge, no occurrence of c.*47C>T in individuals affected with Hemoglobinopathy and no experimental evidence demonstrating its impact on protein function have been reported. No clinical diagnostic laboratories have submitted clinical-significance assessments for this variant to ClinVar after 2014. In the HGMD and ithanet databases, there is another nucleotide change noted in the same position (c.*47C>G). Based on the evidence outlined above, the variant was classified as uncertain significance.